The following is an entry in ClinVar:

NM_001080453.3(INTS1):c.994A>G (p.Met332Val)

Gene: INTS1 (integrator complex subunit 1; minus strand). Cytogenetic location: 7p22.3.
Variant type: single nucleotide variant.
Coding change: c.994A>G on transcript NM_001080453.3 (MANE Select); coding-DNA position 994, A replaced by G.
Protein change: p.Met332Val; replaces methionine 332 with valine.
Molecular consequence: missense variant.
Genome position (GRCh38, 1-based): chr7:1,499,118, T>C on the plus strand (A>G on the coding strand, the complement: INTS1 is on the minus strand). VCF-style: chr7-1499118-T-C. GRCh37 (hg19) VCF-style: chr7-1538754-T-C.
Other names: short protein forms M332V.
Identifiers: ClinVar variation 3905299 (VCV003905299.10).
Genomic context (GRCh38, chr7:1,499,118, plus strand): 5'-GCAGGAGGTTCCTGGAGACGTTGTCGATGGGCTGGCGCCGGTTCAGCTGGTCCCGCAGCA[T>C]GTCCAGGACATACTCCTCCACGCTCTCCGCGAGCTCTTCGTACCTAGGCCAGAGGAGGGA-3'
Protein context (NP_001073922.2, residues 322-342): AESVEEYVLD[Met332Val]LRDQLNRRQP

ClinVar aggregate classification (germline): Uncertain significance (1 of 4 stars; one submission).

gnomAD v4.1: 93 of 1,611,682 alleles (0.0058%); highest among the groups gnomAD compares: East Asian, 0.16%; no homozygotes.

Submission:

CeGaT Center for Human Genetics Tuebingen
Classification: Uncertain significance. Last evaluated: 2025-05-01. Review status: criteria provided, single submitter. Criteria: CeGaT Center For Human Genetics Tuebingen Variant Classification Criteria Version 2. Collection method: clinical testing. Allele origin: germline. Affected: yes. Observed: 1 variant allele.
Comment: INTS1: PM2, BP4